The following is an entry in ClinVar:

ClinVar aggregate classification (germline): Conflicting classifications of pathogenicity. Review status: criteria provided, conflicting classifications (1 of 4 stars). 4 submissions from 3 submitters: Uncertain significance (1); Benign (2); Likely benign (1). Last evaluated 2026-04-29.

Conditions:
Transient Neonatal Diabetes, Dominant/Recessive.
Maturity-onset diabetes of the young type 10. Identifiers: Orphanet 552, MedGen C3150617, MONDO:0013240, OMIM 613370.
Neonatal insulin-dependent diabetes mellitus. Identifiers: MedGen C3278636, HP:0000857.

Allele frequency attached by ClinVar (database versions not stated): ESP Exome Variant Server 0.00008; TOPMed 0.00010; gnomAD 0.00011 and 0.00013; ExAC 0.00013; gnomAD exomes 0.00013.
gnomAD v4.1: 201 of 1,611,132 alleles (0.012%); highest among the groups gnomAD compares: Admixed American, 0.033%; 1 homozygote.

Submissions (4):

Women's Health and Genetics/Laboratory Corporation of America, LabCorp
Classification: Benign. Last evaluated: 2026-04-29. Review status: criteria provided, single submitter. Criteria: LabCorp Variant Classification Summary - May 2015. Collection method: clinical testing. Allele origin: germline.
Comment: Variant summary: INS c.*2C>T is located in the untranslated mRNA region downstream of the termination codon. The variant allele was found at a frequency of 0.00012 in 1611132 control chromosomes in the gnomAD database, including 1 homozygote. The observed variant frequency exceeds the estimated maximal expected allele frequency for disease-causing variants in INS. Further, the observation of a homozygous control is not consistent with the onset/severity of INS-related conditions. To our knowledge, no occurrence of c.*2C>T in individuals affected with INS-related conditions and no experimental evidence demonstrating its impact on protein function have been reported. ClinVar contains an entry for this variant (Variation ID: 304052). Based on the evidence outlined above, the variant was classified as benign.

Illumina Laboratory Services, Illumina
Classification: Uncertain significance for Maturity-onset diabetes of the young type 10. Last evaluated: 2018-01-12. Review status: criteria provided, single submitter. Criteria: ICSL Variant Classification Criteria 13 December 2019. Collection method: clinical testing. Allele origin: germline.

Illumina Laboratory Services, Illumina
Classification: Likely benign for Transient Neonatal Diabetes, Dominant/Recessive. Last evaluated: 2018-01-12. Review status: criteria provided, single submitter. Criteria: ICSL Variant Classification Criteria 13 December 2019. Collection method: clinical testing. Allele origin: germline.
Comment: This variant was observed in the ICSL laboratory as part of a predisposition screen in an ostensibly healthy population. It had not been previously curated by ICSL or reported in the Human Gene Mutation Database (HGMD: prior to June 1st, 2018), and was therefore a candidate for classification through an automated scoring system. Utilizing variant allele frequency, disease prevalence and penetrance estimates, and inheritance mode, an automated score was calculated to assess if this variant is too frequent to cause the disease. Based on the score and internal cut-off values, a variant classified as likely benign is not then subjected to further curation. The score for this variant resulted in a classification of likely benign for this disease.

Clinical Genomics, Uppaluri K&H Personalized Medicine Clinic
Classification: Benign for Neonatal insulin-dependent diabetes mellitus. Review status: criteria provided, single submitter. Criteria: K & H Uppaluri Personalized Medicine Clinic Variant Classification & Assertion Criteria_Updated V.1. Collection method: research. Allele origin: unknown.
Comment: Mutations in INS gene can cause early onset diabetes mellitus which is insulin dependent. May have poor response to sulfonylureas, as this mutation can cause beta cell destruction. However no sufficient evidence is found to ascertain the role of this particular variant rs200306755, yet.

Literature cited by the submitters: PubMed 11921414 (cited by Clinical Genomics, Uppaluri K&H Personalized Medicine Clinic); PubMed 25542748 (cited by Clinical Genomics, Uppaluri K&H Personalized Medicine Clinic); PubMed 26101329 (cited by Clinical Genomics, Uppaluri K&H Personalized Medicine Clinic); PubMed 18171712 (cited by Clinical Genomics, Uppaluri K&H Personalized Medicine Clinic).

NM_000207.3(INS):c.*2C>T

Genes: INS (insulin; minus strand), INS-IGF2 (INS-IGF2 readthrough; minus strand). Cytogenetic location: 11p15.5.
Variant type: single nucleotide variant.
Coding change: c.*2C>T on transcript NM_000207.3 (MANE Select); 2 bases downstream of the stop codon, C replaced by T.
Molecular consequence: 3 prime UTR variant. On other transcripts: intron variant (1).
Genome position (GRCh38, 1-based): chr11:2,159,850, G>A on the plus strand (C>T on the coding strand, the complement: INS is on the minus strand). VCF-style: chr11-2159850-G-A. GRCh37 (hg19) VCF-style: chr11-2181080-G-A.
Other names: c.*2C>T (NM_001185097.2, NM_001185098.2, NM_001291897.2); c.187+935C>T (NM_001042376.3).
Identifiers: ClinVar variation 304052 (VCV000304052.7), dbSNP rs200306755, ClinGen allele CA5818123.
Genomic context (GRCh38, chr11:2,159,850, plus strand): 5'-GGCTTTATTCCATCTCTCTCGGTGCAGGAGGCGGCGGGTGTGGGGCTGCCTGCGGGCTGC[G>A]TCTAGTTGCAGTAGTTCTCCAGCTGGTAGAGGGAGCAGATGCTGGTACAGCATTGTTCCA-3'